The following is an entry in ClinVar:

ClinVar aggregate classification (germline): Uncertain significance. Review status: criteria provided, multiple submitters, no conflicts (2 of 4 stars). 7 submissions from 5 submitters: Uncertain significance (7). Last evaluated 2026-02-12.

Conditions:
SPG11-related disorder. Also called: SPG11-related condition.
Hereditary spastic paraplegia 11. Also called: Spastic paraplegia, mental retardation and thin corpus callosum; SPASTIC PARAPLEGIA, AUTOSOMAL RECESSIVE, COMPLICATED, WITH THIN CORPUS CALLOSUM; SPASTIC PARAPLEGIA, AUTOSOMAL RECESSIVE, WITH MENTAL IMPAIRMENT AND THIN CORPUS CALLOSUM; Spastic Paraplegia 11; Nakamura Osame syndrome; Autosomal recessive hereditary spastic paraplegia, mental impairment, and thin corpus callosum. Identifiers: Orphanet 2822, MedGen C1858479, MONDO:0011445, OMIM 604360.
Amyotrophic lateral sclerosis type 5 (ALS5). Also called: AMYOTROPHIC LATERAL SCLEROSIS 5, JUVENILE. Identifiers: Orphanet 300605, MedGen C1865864, MONDO:0011196, OMIM 602099.
Inborn genetic diseases. Identifiers: MedGen C0950123, MeSH D030342.
Charcot-Marie-Tooth disease axonal type 2X. Also called: CHARCOT-MARIE-TOOTH DISEASE, AXONAL, AUTOSOMAL RECESSIVE, TYPE 2X; CHARCOT-MARIE-TOOTH NEUROPATHY, TYPE 2X. Identifiers: Orphanet 466775, MedGen C5569024, MONDO:0014726, OMIM 616668.

Allele frequency attached by ClinVar (database versions not stated): TOPMed 0.00002.
gnomAD v4.1: 16 of 1,613,920 alleles (0.00099%); highest among the groups gnomAD compares: Non-Finnish European, 0.0013%; no homozygotes.

Submissions (7):

PreventionGenetics, part of Exact Sciences
Classification: Uncertain significance for SPG11-related condition. Last evaluated: 2026-02-12. Review status: criteria provided, single submitter. Criteria: ACMG Guidelines, 2015. Collection method: clinical testing. Allele origin: germline.
Comment: The SPG11 c.1801C>T variant is predicted to result in the amino acid substitution p.Pro601Ser. To our knowledge, this variant has not been reported in the literature. This variant is reported in 0.0065% of alleles in individuals of European (Non-Finnish) descent in gnomAD. At this time, the clinical significance of this variant is uncertain due to the absence of conclusive functional and genetic evidence.

Ambry Genetics
Classification: Uncertain significance for Inborn genetic diseases. Last evaluated: 2025-12-11. Review status: criteria provided, single submitter. Criteria: Ambry Variant Classification Scheme 2023. Collection method: clinical testing. Allele origin: germline.

Labcorp Genetics (formerly Invitae), Labcorp
Classification: Uncertain significance for Hereditary spastic paraplegia 11. Last evaluated: 2021-09-02. Review status: criteria provided, single submitter. Criteria: Invitae Variant Classification Sherloc (09022015). Collection method: clinical testing. Allele origin: germline.

Illumina Laboratory Services, Illumina
Classification: Uncertain significance for Hereditary spastic paraplegia 11. Last evaluated: 2018-01-13. Review status: criteria provided, single submitter. Criteria: ICSL Variant Classification Criteria 13 December 2019. Collection method: clinical testing. Allele origin: germline.

Genome-Nilou Lab
Classification: Uncertain significance for Amyotrophic lateral sclerosis type 5. Review status: criteria provided, single submitter. Criteria: ACMG Guidelines, 2015. Collection method: clinical testing. Allele origin: germline.

Genome-Nilou Lab
Classification: Uncertain significance for Charcot-Marie-Tooth disease axonal type 2X. Review status: criteria provided, single submitter. Criteria: ACMG Guidelines, 2015. Collection method: clinical testing. Allele origin: germline.

Genome-Nilou Lab
Classification: Uncertain significance for Hereditary spastic paraplegia 11. Review status: criteria provided, single submitter. Criteria: ACMG Guidelines, 2015. Collection method: clinical testing. Allele origin: germline.

NM_025137.4(SPG11):c.1801C>T (p.Pro601Ser)

Gene: SPG11 (SPG11 vesicle trafficking associated, spatacsin; minus strand). Cytogenetic location: 15q21.1.
Variant type: single nucleotide variant.
Coding change: c.1801C>T on transcript NM_025137.4 (MANE Select); coding-DNA position 1801, C replaced by T.
Protein change: p.Pro601Ser; replaces proline 601 with serine.
Molecular consequence: missense variant.
Genome position (GRCh38, 1-based): chr15:44,629,323, G>A on the plus strand (C>T on the coding strand, the complement: SPG11 is on the minus strand). VCF-style: chr15-44629323-G-A. GRCh37 (hg19) VCF-style: chr15-44921521-G-A.
Other names: c.1801C>T, p.Pro601Ser (NM_001160227.2); short protein forms P601S.
Identifiers: ClinVar variation 316105 (VCV000316105.12), dbSNP rs775799559, ClinGen allele CA10641953.
Genomic context (GRCh38, chr15:44,629,323, plus strand): 5'-GGTTGTTAAGGAAAGACAGTGTAAGATTAAGCAATTGTTCTGAAAAGTGTTTGCTTTGGG[G>A]TTCAGAATAACTTTCTCTAATTGCCGAGCAAAGTAAATCCAATGCTGGTATCAGCTCTTC-3'
Protein context (NP_079413.3, residues 591-611): CSAIRESYSE[Pro601Ser]QSKHFSEQLL